The following is an entry in ClinVar:

NM_052947.4(ALPK2):c.2068T>C (p.Ser690Pro)

Gene: ALPK2 (alpha kinase 2; minus strand). Cytogenetic location: 18q21.31.
Variant type: single nucleotide variant.
Coding change: c.2068T>C on transcript NM_052947.4 (MANE Select); coding-DNA position 2068, T replaced by C.
Protein change: p.Ser690Pro; replaces serine 690 with proline.
Molecular consequence: missense variant.
Genome position (GRCh38, 1-based): chr18:58,538,119, A>G on the plus strand (T>C on the coding strand, the complement: ALPK2 is on the minus strand). VCF-style: chr18-58538119-A-G. GRCh37 (hg19) VCF-style: chr18-56205351-A-G.
Other names: short protein forms S690P.
Identifiers: ClinVar variation 3288667 (VCV003288667.1).

ClinVar aggregate classification (germline): Uncertain significance (1 of 4 stars; one submission).

Submission:

Ambry Genetics
Classification: Uncertain significance. Last evaluated: 2024-05-18. Review status: criteria provided, single submitter. Criteria: Ambry Variant Classification Scheme 2023. Collection method: clinical testing. Allele origin: germline.
Comment: The p.S690P variant (also known as c.2068T>C), located in coding exon 4 of the ALPK2 gene, results from a T to C substitution at nucleotide position 2068. The serine at codon 690 is replaced by proline, an amino acid with similar properties. This amino acid position is conserved. In addition, this alteration is predicted to be tolerated by in silico analysis. Based on the available evidence, the clinical significance of this variant remains unclear.